The following is an entry in ClinVar:

ClinVar aggregate classification (germline): Pathogenic (1 of 4 stars; one submission).

Conditions:
Intellectual developmental disorder, autosomal dominant 6, with or without seizures. Also called: Intellectual disability, autosomal dominant 6; GRIN2B-related developmental delay, intellectual disability and autism spectrum disorder. Identifiers: Orphanet 589547, MedGen C3151411, MONDO:0013509, OMIM 613970.
Developmental and epileptic encephalopathy, 27 (DEE27). Also called: Epileptic encephalopathy, early infantile, 27; GRIN2B-Related Neurodevelopmental Disorder. Identifiers: Orphanet 3451, MedGen C4015316, MONDO:0014505, OMIM 616139.

Submission:

Labcorp Genetics (formerly Invitae), Labcorp
Classification: Pathogenic for Developmental and epileptic encephalopathy, 27; Intellectual developmental disorder, autosomal dominant 6, with or without seizures. Last evaluated: 2023-05-04. Review status: criteria provided, single submitter. Criteria: Invitae Variant Classification Sherloc (09022015). Collection method: clinical testing. Allele origin: germline.
Comment: This variant is not present in population databases (gnomAD no frequency). This sequence change creates a premature translational stop signal (p.Gln919*) in the GRIN2B gene. While this is not anticipated to result in nonsense mediated decay, it is expected to disrupt the last 566 amino acid(s) of the GRIN2B protein. For these reasons, this variant has been classified as Pathogenic. ClinVar contains an entry for this variant (Variation ID: 956942). This premature translational stop signal has been observed in individual(s) with clinical features of GRIN2B-related conditions (Invitae). In at least one individual the variant was observed to be de novo.

NM_000834.5(GRIN2B):c.2755C>T (p.Gln919Ter)

Gene: GRIN2B (glutamate ionotropic receptor NMDA type subunit 2B; minus strand). Cytogenetic location: 12p13.1.
Variant type: single nucleotide variant.
Coding change: c.2755C>T on transcript NM_000834.5 (MANE Select); coding-DNA position 2755, C replaced by T.
Protein change: p.Gln919Ter; replaces glutamine 919 with a stop codon.
Molecular consequence: nonsense.
Genome position (GRCh38, 1-based): chr12:13,564,483, G>A on the plus strand (C>T on the coding strand, the complement: GRIN2B is on the minus strand). VCF-style: chr12-13564483-G-A. GRCh37 (hg19) VCF-style: chr12-13717417-G-A.
Other names: short protein forms Q919*.
Identifiers: ClinVar variation 956942 (VCV000956942.10), dbSNP rs1555102548, ClinGen allele CA383993747.